The following is an entry in ClinVar:

ClinVar aggregate classification (germline): Likely benign. Review status: criteria provided, multiple submitters, no conflicts (2 of 4 stars). 3 submissions from 3 submitters: Likely benign (2). 1 of the submissions does not count toward it. Last evaluated 2025-11-23.

Conditions:
COLGALT1-related disorder. Also called: COLGALT1-related condition.

Allele frequency attached by ClinVar (database versions not stated): 1000 Genomes Project 0.00020; gnomAD 0.00020; ExAC 0.00026; TOPMed 0.00029; ESP Exome Variant Server 0.00031; 1000 Genomes Project 30x 0.00047.

Submissions (3):

Labcorp Genetics (formerly Invitae), Labcorp
Classification: Likely benign. Last evaluated: 2025-11-23. Review status: criteria provided, single submitter. Criteria: Invitae Variant Classification Sherloc (09022015). Collection method: clinical testing. Allele origin: germline.

Blueprint Genetics
Classification: Likely benign. Last evaluated: 2024-08-15. Review status: criteria provided, single submitter. Criteria: ACMG Guidelines, 2015. Collection method: clinical testing. Allele origin: germline.

PreventionGenetics, part of Exact Sciences
Classification: Likely benign for COLGALT1-related condition. Last evaluated: 2020-01-02. Review status: no assertion criteria provided. Collection method: clinical testing. Allele origin: germline. Not counted in ClinVar's aggregate classification.
Comment: This variant is classified as likely benign based on ACMG/AMP sequence variant interpretation guidelines (Richards et al. 2015 PMID: 25741868, with internal and published modifications).

NM_024656.4(COLGALT1):c.381G>A (p.Pro127=)

Gene: COLGALT1 (collagen beta(1-O)galactosyltransferase 1; plus strand). Cytogenetic location: 19p13.11.
Variant type: single nucleotide variant.
Coding change: c.381G>A on transcript NM_024656.4 (MANE Select); coding-DNA position 381, G replaced by A.
Protein change: p.Pro127=; no amino-acid change (proline 127 retained).
Molecular consequence: synonymous variant.
Genome position (GRCh38, 1-based): chr19:17,560,357, G>A. VCF-style: chr19-17560357-G-A. GRCh37 (hg19) VCF-style: chr19-17671166-G-A.
Other names: c.381G>A (NM_024656.3).
Identifiers: ClinVar variation 2062801 (VCV002062801.7), dbSNP rs146187805, ClinGen allele CA9296884.